The following is an entry in ClinVar:

ClinVar aggregate classification (germline): Uncertain significance (1 of 4 stars; one submission).

Conditions:
Snijders Blok-Campeau syndrome. Also called: INTELLECTUAL DEVELOPMENTAL DISORDER WITH MACROCEPHALY, SPEECH DELAY, AND DYSMORPHIC FACIES. Identifiers: Orphanet 599082, MedGen C4748701, MONDO:0032600, OMIM 618205.

Submission:

Juno Genomics, Hangzhou Juno Genomics, Inc
Classification: Uncertain significance for Snijders Blok-Campeau syndrome. Review status: criteria provided, single submitter. Criteria: ACMG Guidelines, 2015. Collection method: clinical testing. Allele origin: germline.
Comment: Missense variant in a gene that has a low rate of benign missense variation.;Multiple lines of computational evidence support a deleterious effect on the gene or gene product.;Absent from controls (or at extremely low frequency if recessive) in Genome Aggregation Database.

NM_001005273.3(CHD3):c.2339A>G (p.Lys780Arg)

Gene: CHD3 (chromodomain helicase DNA binding protein 3; plus strand). Cytogenetic location: 17p13.1.
Variant type: single nucleotide variant.
Coding change: c.2339A>G on transcript NM_001005273.3 (MANE Select); coding-DNA position 2339, A replaced by G.
Protein change: p.Lys780Arg; replaces lysine 780 with arginine.
Molecular consequence: missense variant.
Genome position (GRCh38, 1-based): chr17:7,899,198, A>G. VCF-style: chr17-7899198-A-G. GRCh37 (hg19) VCF-style: chr17-7802516-A-G.
Other names: c.2516A>G, p.Lys839Arg (NM_001005271.3, NM_001437504.1); c.2504A>G, p.Lys835Arg (NM_001437507.1, NM_001437508.1, NM_001437509.1); c.2339A>G, p.Lys780Arg (NM_005852.4); short protein forms K839R, K835R, K780R.
Identifiers: ClinVar variation 5005841 (VCV005005841.2).